The following is an entry in ClinVar:

NM_001430.5(EPAS1):c.2056G>T (p.Gly686Cys)

Gene: EPAS1 (endothelial PAS domain protein 1; plus strand). Cytogenetic location: 2p21.
Variant type: single nucleotide variant.
Coding change: c.2056G>T on transcript NM_001430.5 (MANE Select); coding-DNA position 2056, G replaced by T.
Protein change: p.Gly686Cys; replaces glycine 686 with cysteine.
Molecular consequence: missense variant.
Genome position (GRCh38, 1-based): chr2:46,381,606, G>T. VCF-style: chr2-46381606-G-T. GRCh37 (hg19) VCF-style: chr2-46608745-G-T.
Other names: short protein forms G686C.
Identifiers: ClinVar variation 2456564 (VCV002456564.2), dbSNP rs2103675761, ClinGen allele CA346705442.

ClinVar aggregate classification (germline): Uncertain significance (1 of 4 stars; one submission).

Conditions:
Inborn genetic diseases. Identifiers: MedGen C0950123, MeSH D030342.

Submission:

Ambry Genetics
Classification: Uncertain significance for Inborn genetic diseases. Last evaluated: 2023-02-23. Review status: criteria provided, single submitter. Criteria: Ambry Variant Classification Scheme 2023. Collection method: clinical testing. Allele origin: germline.
Comment: The p.G686C variant (also known as c.2056G>T), located in coding exon 13 of the EPAS1 gene, results from a G to T substitution at nucleotide position 2056. The glycine at codon 686 is replaced by cysteine, an amino acid with highly dissimilar properties. This amino acid position is conserved. In addition, this alteration is predicted to be tolerated by in silico analysis. Since supporting evidence is limited at this time, the clinical significance of this alteration remains unclear.